The following is an entry in ClinVar:

NM_020433.5(JPH2):c.109G>A (p.Glu37Lys)

Gene: JPH2 (junctophilin 2; minus strand). Cytogenetic location: 20q13.12.
Variant type: single nucleotide variant.
Coding change: c.109G>A on transcript NM_020433.5 (MANE Select); coding-DNA position 109, G replaced by A.
Protein change: p.Glu37Lys; replaces glutamic acid 37 with lysine.
Molecular consequence: missense variant.
Genome position (GRCh38, 1-based): chr20:44,186,597, C>T on the plus strand (G>A on the coding strand, the complement: JPH2 is on the minus strand). VCF-style: chr20-44186597-C-T. GRCh37 (hg19) VCF-style: chr20-42815237-C-T.
Other names: c.109G>A, p.Glu37Lys (NM_175913.4); short protein forms E37K.
Identifiers: ClinVar variation 2578160 (VCV002578160.6), dbSNP rs1427861059, ClinGen allele CA409095517.
Genomic context (GRCh38, chr20:44,186,597, plus strand): 5'-CGCTGGGCCAGGTGTAGACACCTGCCACCTCAAAGCCAAAGTTCCAGGAGCCAGAGTATT[C>T]GCCCTGGCCCTTGGGGCCTGTGCACAGTCCATGCCCATGGGCCTTTCCCCCCTCCCAGCC-3'
Protein context (NP_065166.2, residues 27-47): GLCTGPKGQG[Glu37Lys]YSGSWNFGFE

ClinVar aggregate classification (germline): Uncertain significance. Review status: criteria provided, multiple submitters, no conflicts (2 of 4 stars). 3 submissions from 3 submitters: Uncertain significance (3). Last evaluated 2026-09-23.

Conditions:
Hypertrophic cardiomyopathy. Also called: HYPERTROPHIC MYOCARDIOPATHY. Identifiers: Orphanet 217569, MedGen C0007194, MeSH D002312, MONDO:0005045, HP:0001639.

Allele frequency attached by ClinVar (database versions not stated): gnomAD exomes 0.00001.
gnomAD v4.1: 4 of 1,613,754 alleles (0.00025%); highest among the groups gnomAD compares: Admixed American, 0.0017%; no homozygotes.

Submissions (3):

GeneDx
Classification: Uncertain significance. Last evaluated: 2026-09-23. Review status: criteria provided, single submitter. Criteria: GeneDx Variant Classification Process June 2021. Collection method: clinical testing. Allele origin: germline.
Comment: Not observed at significant frequency in large population cohorts (gnomAD); In silico analysis supports that this missense variant has a deleterious effect on protein structure/function; Has not been previously published as pathogenic or benign to our knowledge

Blueprint Genetics
Classification: Uncertain significance. Last evaluated: 2024-06-18. Review status: criteria provided, single submitter. Criteria: ACMG Guidelines, 2015. Collection method: clinical testing. Allele origin: germline.

Labcorp Genetics (formerly Invitae), Labcorp
Classification: Uncertain significance for Hypertrophic cardiomyopathy. Last evaluated: 2023-07-14. Review status: criteria provided, single submitter. Criteria: Invitae Variant Classification Sherloc (09022015). Collection method: clinical testing. Allele origin: germline.
Comment: This sequence change replaces glutamic acid, which is acidic and polar, with lysine, which is basic and polar, at codon 37 of the JPH2 protein (p.Glu37Lys). The frequency data for this variant in the population databases is considered unreliable, as metrics indicate poor data quality at this position in the gnomAD database. This variant has not been reported in the literature in individuals affected with JPH2-related conditions. An algorithm developed to predict the effect of missense changes on protein structure and function (PolyPhen-2) suggests that this variant is likely to be disruptive. In summary, the available evidence is currently insufficient to determine the role of this variant in disease. Therefore, it has been classified as a Variant of Uncertain Significance.